The following is an entry in ClinVar:

ClinVar aggregate classification (germline): Likely benign (1 of 4 stars; one submission).

Allele frequency attached by ClinVar (database versions not stated): gnomAD exomes below 0.00001.
gnomAD v4.1: 2 of 1,575,600 alleles (0.00013%); highest among the groups gnomAD compares: Non-Finnish European, 0.00017%; no homozygotes.

Submission:

CeGaT Center for Human Genetics Tuebingen
Classification: Likely benign. Last evaluated: 2023-11-01. Review status: criteria provided, single submitter. Criteria: CeGaT Center For Human Genetics Tuebingen Variant Classification Criteria Version 2. Collection method: clinical testing. Allele origin: germline. Affected: yes. Observed: 1 variant allele.
Comment: BCL11A: BP4, BP7

NM_022893.4(BCL11A):c.1089G>A (p.Leu363=)

Gene: BCL11A (BCL11 transcription factor A; minus strand). Cytogenetic location: 2p16.1.
Variant type: single nucleotide variant.
Coding change: c.1089G>A on transcript NM_022893.4 (MANE Select); coding-DNA position 1089, G replaced by A.
Protein change: p.Leu363=; no amino-acid change (leucine 363 retained).
Molecular consequence: synonymous variant. On other transcripts: intron variant (9).
Genome position (GRCh38, 1-based): chr2:60,461,823, C>T on the plus strand (G>A on the coding strand, the complement: BCL11A is on the minus strand). VCF-style: chr2-60461823-C-T. GRCh37 (hg19) VCF-style: chr2-60688958-C-T.
Other names: c.987G>A, p.Leu329= (NM_001363864.1, NM_001365609.1, NM_001405711.1 and 2 more transcripts); c.1089G>A, p.Leu363= (NM_001405708.1, NM_001405709.1, NM_001405710.1 and 1 more transcripts); c.933G>A, p.Leu311= (NM_001405713.1, NM_001405714.1, NM_001405715.1 and 3 more transcripts); c.831G>A, p.Leu277= (NM_001405717.1, NM_001405718.1, NM_001405724.1); c.756G>A, p.Leu252= (NM_001405720.1, NM_001405721.1); c.633G>A, p.Leu211= (NM_001405725.1, NM_001405726.1, NM_001405727.1 and 1 more transcripts); c.630+459G>A (NM_138559.2, NM_001405732.1); c.528+459G>A (NM_001405733.1); and 5 more.
Identifiers: ClinVar variation 2672816 (VCV002672816.23), dbSNP rs1250985191, ClinGen allele CA426417506.
Genomic context (GRCh38, chr2:60,461,823, plus strand): 5'-GCCGCAGAACTCGCATGACTTGGACTTGACCGGGGGCTGGGAGGGAGGAGGGGCGGATTG[C>T]AGAGGAGGGAGGGGGGGCGTCGCCAGGAAGGGCGGCTTGCTACCTGGCTGGAATGGTTGC-3'
Protein context (NP_075044.2, residues 353-373): PFLATPPLPP[Leu363=]QSAPPPSQPP